The following is an entry in ClinVar:

ClinVar aggregate classification (germline): Uncertain significance (1 of 4 stars; one submission).

Conditions:
Loeys-Dietz syndrome 2 (LDS2). Also called: TGFBR2-Related Loeys-Dietz Syndrome; Marfan syndrome, type 2 (formerly); AORTIC ANEURYSM, FAMILIAL THORACIC 3; MARFAN SYNDROME, TYPE II; Marfan Syndrome type 2; Marfan like connective tissue disorder. Identifiers: Orphanet 284973, Orphanet 558, MedGen C2674574, MONDO:0012427, OMIM 610168.

gnomAD v4.1: 27 of 1,613,818 alleles (0.0017%); highest among the groups gnomAD compares: Non-Finnish European, 0.0023%; no homozygotes.

Submission:

Labcorp Genetics (formerly Invitae), Labcorp
Classification: Uncertain significance for Loeys-Dietz syndrome 2. Last evaluated: 2025-03-11. Review status: criteria provided, single submitter. Criteria: Invitae Variant Classification Sherloc (09022015). Collection method: clinical testing. Allele origin: germline.
Comment: This sequence change replaces lysine, which is basic and polar, with arginine, which is basic and polar, at codon 659 of the TMPO protein (p.Lys659Arg). This variant is present in population databases (rs766171931, gnomAD 0.003%). This variant has not been reported in the literature in individuals affected with TMPO-related conditions. Invitae Evidence Modeling of protein sequence and biophysical properties (such as structural, functional, and spatial information, amino acid conservation, physicochemical variation, residue mobility, and thermodynamic stability) indicates that this missense variant is not expected to disrupt TMPO protein function with a negative predictive value of 80%. In summary, the available evidence is currently insufficient to determine the role of this variant in disease. Therefore, it has been classified as a Variant of Uncertain Significance.

NM_001032283.3(TMPO):c.565+2395A>G

Gene: TMPO (thymopoietin; plus strand). Cytogenetic location: 12q23.1.
Variant type: single nucleotide variant.
Coding change: c.565+2395A>G on transcript NM_001032283.3 (MANE Select); 2395 bases into the intron after coding-DNA position 565, A replaced by G.
Molecular consequence: intron variant. On other transcripts: missense variant (1).
Genome position (GRCh38, 1-based): chr12:98,534,233, A>G. VCF-style: chr12-98534233-A-G. GRCh37 (hg19) VCF-style: chr12-98928011-A-G.
Other names: c.1976A>G, p.Lys659Arg (NM_003276.2); c.565+2395A>G (NM_001307975.2, NM_001032284.3); short protein forms K659R.
Identifiers: ClinVar variation 4751200 (VCV004751200.1).
Genomic context (GRCh38, chr12:98,534,233, plus strand): 5'-CTGCCCATACCATGGGAAATGCCACTGTAGGTCGTCGATACCTCTGGCTGAAGGATTGCA[A>G]AATTAATTTAGCTTCTAAGAATAAGCTGGCTTCCACTCCCTTTAAAGGTGGAACATTATT-3'